The following is an entry in ClinVar:

NM_000203.5(IDUA):c.713T>G (p.Leu238Arg)

Gene: IDUA (alpha-L-iduronidase; plus strand). Cytogenetic location: 4p16.3.
Variant type: single nucleotide variant.
Coding change: c.713T>G on transcript NM_000203.5 (MANE Select); coding-DNA position 713, T replaced by G.
Protein change: p.Leu238Arg; replaces leucine 238 with arginine.
Molecular consequence: missense variant. On other transcripts: non-coding transcript variant (1).
Genome position (GRCh38, 1-based): chr4:1,001,802, T>G. VCF-style: chr4-1001802-T-G. GRCh37 (hg19) VCF-style: chr4-995590-T-G.
Other names: NM_000203.5(IDUA):c.713T>G; p.Leu238Arg; c.317T>G, p.Leu106Arg (NM_001363576.1); short protein forms L106R, L238R.
Identifiers: ClinVar variation 2581619 (VCV002581619.2), dbSNP rs148789453, ClinGen allele CA2802064.

ClinVar aggregate classification (germline): Likely pathogenic. Review status: reviewed by expert panel (3 of 4 stars). 2 submissions from 2 submitters: Likely pathogenic (1). 1 of the submissions does not count toward it. Last evaluated 2026-06-01.

Conditions:
Mucopolysaccharidosis type 1. Also called: IDUA deficiency; MPS I; Mucopolysaccharidosis Type I. Identifiers: Orphanet 579, MedGen C0023786, MONDO:0001586.

Submissions (2):

ClinGen Lysosomal Storage Disorder Variant Curation Expert Panel
Classification: Likely pathogenic for Mucopolysaccharidosis type 1. Last evaluated: 2026-06-01. Review status: reviewed by expert panel. Criteria: ClinGen LSD ACMG Specifications IDUA V1.2.0. Collection method: curation. Allele origin: germline. Inheritance: Autosomal recessive inheritance.
Comment: The NM_000203.5:c.713T>G variant in IDUA is a missense variant predicted to cause substitution of Leucine by Arginine at amino acid 238 (p.Leu238Arg). This variant has been detected in at least 1 individual with MPS I (PMID: 21480867, 21624210). The individual was compound heterozygous for the variant and a variant in IDUA that has been classified as pathogenic variant for MPS I by the ClinGen LD VCEP; they were confirmed in trans by parental testing. The second variant was c.882dupC (ClinVarID: 1076379; PMID: 21480867); (PM3). The patient with this variant had documented IDUA deficiency within the affected range in leukocytes, and urinary GAGs expressed as specific GAG elevation above normal range, and clinical features specific to MPS I including hepatosplenomegaly and arthropathy (PP4_Moderate). The computational predictor REVEL gives a score of 0.932 which is above the threshold of 0.773, evidence that correlates with impact to IDUA function at the moderate level based on the specifications of the ClinGen Lysosomal Diseases VCEP (PMID: 36413997) (PP3_Moderate). The highest population minor allele frequency in gnomAD v4.1.0 is 0.00001 (1/90246 alleles) in the South Asian population, which is lower than the ClinGen Lysosomal Diseases VCEP’s threshold for PM2_Supporting (<0.00025), meeting this criterion (PM2_Supporting). Two more missense variants were found in the same codon. c.713T>A, p.Leu238Gln (PMIDs: 31304092, 24368159, 21480867, 15300847; ClinVarID: 265418) has been classified as pathogenic for MPS I by the ClinGen Lysosomal Diseases VCEP. c.713T>C, p.Leu238Pro (PIMDs: 15300847, 24368159; ClinVarID: 1517837) is listed as likely pathogenic in ClinVar and has not been classified by the ClinGen Lysosomal Diseases VCEP (PM5). In summary, this variant meets the criteria to be classified as likely pathogenic for MPS I based on the IDUA-specific ACMG/AMP criteria applied, as specified by the ClinGen Lysosomal Diseases Variant Curation Expert Panel (Specifications Version 1.2.0): PM3, PM5, PP4_moderate, PP3_moderate, PM2_supporting. (Classification approved by the ClinGen Lysosomal Diseases Variant Curation Expert Panel, June 1, 2026).

Women's Health and Genetics/Laboratory Corporation of America, LabCorp
Classification: Uncertain significance. Last evaluated: 2023-08-01. Review status: criteria provided, single submitter. Criteria: LabCorp Variant Classification Summary - May 2015. Collection method: clinical testing. Allele origin: germline. Not counted in ClinVar's aggregate classification.
Comment: Variant summary: IDUA c.713T>G (p.Leu238Arg) results in a non-conservative amino acid change in the encoded protein sequence. Five of five in-silico tools predict a damaging effect of the variant on protein function. The variant allele was found at a frequency of 4.4e-06 in 229094 control chromosomes (gnomAD). c.713T>G has been reported in the literature in an individual affected with Mucopolysaccharidosis (example: Wang_2012). To our knowledge, no experimental evidence demonstrating an impact on protein function has been reported. Other variants affecting the same codon have been classified pathogenic or likely pathogenic in ClinVar (IDs:1517837, 265418). The following publication has been ascertained in the context of this evaluation (PMID: 21480867). No submitters have cited clinical-significance assessments for this variant to ClinVar after 2014. Based on the evidence outlined above, the variant was classified as VUS-possibly pathogenic.

Literature cited by the submitters: PubMed 21480867 (cited by Women's Health and Genetics/Laboratory Corporation of America, LabCorp).